The following is an entry in ClinVar:

NM_198282.4(STING1):c.1021G>C (p.Val341Leu)

Gene: STING1 (stimulator of interferon response cGAMP interactor 1; minus strand). Cytogenetic location: 5q31.2.
Variant type: single nucleotide variant.
Coding change: c.1021G>C on transcript NM_198282.4 (MANE Select); coding-DNA position 1021, G replaced by C.
Protein change: p.Val341Leu; replaces valine 341 with leucine.
Molecular consequence: missense variant.
Genome position (GRCh38, 1-based): chr5:139,476,380, C>G on the plus strand (G>C on the coding strand, the complement: STING1 is on the minus strand). VCF-style: chr5-139476380-C-G. GRCh37 (hg19) VCF-style: chr5-138855965-C-G.
Other names: c.834G>C, p.Arg278Ser (NM_001301738.2); c.664G>C, p.Val222Leu (NM_001367258.1); short protein forms V222L, V341L, R278S.
Identifiers: ClinVar variation 1041360 (VCV001041360.10), dbSNP rs1751660369, ClinGen allele CA361479212.

ClinVar aggregate classification (germline): Uncertain significance (1 of 4 stars; one submission).

Conditions:
STING-associated vasculopathy with onset in infancy. Also called: Sting-associated vasculopathy, infantile-onset. Identifiers: Orphanet 425120, MedGen C4014722, MONDO:0014405, OMIM 615934.

Submission:

Labcorp Genetics (formerly Invitae), Labcorp
Classification: Uncertain significance for STING-associated vasculopathy with onset in infancy. Last evaluated: 2023-08-30. Review status: criteria provided, single submitter. Criteria: Invitae Variant Classification Sherloc (09022015). Collection method: clinical testing. Allele origin: germline.
Comment: In summary, the available evidence is currently insufficient to determine the role of this variant in disease. Therefore, it has been classified as a Variant of Uncertain Significance. An algorithm developed to predict the effect of missense changes on protein structure and function (PolyPhen-2) suggests that this variant is likely to be tolerated. ClinVar contains an entry for this variant (Variation ID: 1041360). This variant has not been reported in the literature in individuals affected with TMEM173-related conditions. This variant is not present in population databases (gnomAD no frequency). This sequence change replaces valine, which is neutral and non-polar, with leucine, which is neutral and non-polar, at codon 341 of the TMEM173 protein (p.Val341Leu).